The following is an entry in ClinVar:

NM_001206927.2(DNAH8):c.10672A>G (p.Asn3558Asp)

Genes: DNAH8 (dynein axonemal heavy chain 8; plus strand), DNAH8-AS1 (DNAH8 antisense RNA 1; minus strand). Cytogenetic location: 6p21.2.
Variant type: single nucleotide variant.
Coding change: c.10672A>G on transcript NM_001206927.2 (MANE Select); coding-DNA position 10672, A replaced by G.
Protein change: p.Asn3558Asp; replaces asparagine 3558 with aspartic acid.
Molecular consequence: missense variant.
Genome position (GRCh38, 1-based): chr6:38,923,067, A>G. VCF-style: chr6-38923067-A-G. GRCh37 (hg19) VCF-style: chr6-38890843-A-G.
Other names: c.10021A>G, p.Asn3341Asp (NM_001371.4); short protein forms N3558D, N3341D.
Identifiers: ClinVar variation 640492 (VCV000640492.8), dbSNP rs746067892, ClinGen allele CA3790804.

ClinVar aggregate classification (germline): Uncertain significance. Review status: criteria provided, multiple submitters, no conflicts (2 of 4 stars). 2 submissions from 2 submitters: Uncertain significance (2). Last evaluated 2024-03-12.

Conditions:
Primary ciliary dyskinesia. Also called: Ciliary dyskinesia. Identifiers: Orphanet 244, MedGen C0008780, MONDO:0016575, HP:0012265.

Allele frequency attached by ClinVar (database versions not stated): gnomAD 0.00002; TOPMed 0.00004; gnomAD exomes 0.00006 and 0.00012; ExAC 0.00012.
gnomAD v4.1: 36 of 1,612,758 alleles (0.0022%); highest among the groups gnomAD compares: Admixed American, 0.06%; no homozygotes.

Submissions (2):

Ambry Genetics
Classification: Uncertain significance. Last evaluated: 2024-03-12. Review status: criteria provided, single submitter. Criteria: Ambry Variant Classification Scheme 2023. Collection method: clinical testing. Allele origin: germline.

Labcorp Genetics (formerly Invitae), Labcorp
Classification: Uncertain significance for Primary ciliary dyskinesia. Last evaluated: 2022-08-22. Review status: criteria provided, single submitter. Criteria: Invitae Variant Classification Sherloc (09022015). Collection method: clinical testing. Allele origin: germline.
Comment: This sequence change replaces asparagine, which is neutral and polar, with aspartic acid, which is acidic and polar, at codon 3558 of the DNAH8 protein (p.Asn3558Asp). This variant is present in population databases (rs746067892, gnomAD 0.09%). This variant has not been reported in the literature in individuals affected with DNAH8-related conditions. ClinVar contains an entry for this variant (Variation ID: 640492). Algorithms developed to predict the effect of missense changes on protein structure and function are either unavailable or do not agree on the potential impact of this missense change (SIFT: "Tolerated"; PolyPhen-2: "Not Available"; Align-GVGD: "Class C0"). In summary, the available evidence is currently insufficient to determine the role of this variant in disease. Therefore, it has been classified as a Variant of Uncertain Significance.